The following is an entry in ClinVar:

ClinVar aggregate classification (germline): Conflicting classifications of pathogenicity. Review status: criteria provided, conflicting classifications (1 of 4 stars). 3 submissions from 3 submitters: Uncertain significance (1); Likely benign (2). Last evaluated 2025-05-13.

Conditions:
Hereditary cancer-predisposing syndrome. Also called: Tumor predisposition; Neoplastic Syndromes, Hereditary; Hereditary Cancer Syndrome; Hereditary neoplastic syndrome. Identifiers: Orphanet 140162, MedGen C0027672, MeSH D009386, MONDO:0015356.

Allele frequency attached by ClinVar (database versions not stated): gnomAD exomes 0.00002; TOPMed 0.00002; ExAC 0.00003.
gnomAD v4.1: 10 of 1,596,758 alleles (0.00063%); highest among the groups gnomAD compares: Middle Eastern, 0.05%; no homozygotes.

Submissions (3):

Labcorp Genetics (formerly Invitae), Labcorp
Classification: Likely benign. Last evaluated: 2025-05-13. Review status: criteria provided, single submitter. Criteria: Invitae Variant Classification Sherloc (09022015). Collection method: clinical testing. Allele origin: germline.

Quest Diagnostics Nichols Institute San Juan Capistrano
Classification: Uncertain significance. Last evaluated: 2024-08-27. Review status: criteria provided, single submitter. Criteria: Quest Diagnostics criteria. Collection method: clinical testing. Allele origin: unknown.
Comment: The RECQL c.868-10T>A variant has not been reported in individuals with RECQL-related conditions in the published literature. The frequency of this variant in the general population, 0.000037 (4/107724 chromosomes (Genome Aggregation Database)), is uninformative in the assessment of its pathogenicity. Analysis of this variant using software algorithms for the prediction of the effect of nucleotide changes on RECQL mRNA splicing yielded inconclusive findings. Based on the available information, we are unable to determine the clinical significance of this variant.

Mendelics
Classification: Likely benign for Hereditary cancer-predisposing syndrome. Last evaluated: 2019-05-28. Review status: criteria provided, single submitter. Criteria: Mendelics Assertion Criteria 2017. Collection method: clinical testing. Allele origin: unknown.

NM_002907.4(RECQL):c.868-10T>A

Gene: RECQL (RecQ like helicase; minus strand). Cytogenetic location: 12p12.1.
Variant type: single nucleotide variant.
Coding change: c.868-10T>A on transcript NM_002907.4 (MANE Select); 10 bases into the intron before coding-DNA position 868, T replaced by A.
Molecular consequence: intron variant.
Genome position (GRCh38, 1-based): chr12:21,477,002, A>T on the plus strand (T>A on the coding strand, the complement: RECQL is on the minus strand). VCF-style: chr12-21477002-A-T. GRCh37 (hg19) VCF-style: chr12-21629936-A-T.
Other names: c.868-10T>A (NM_032941.3, NM_002907.3).
Identifiers: ClinVar variation 801378 (VCV000801378.11), dbSNP rs752255394, ClinGen allele CA6478935.